The following is an entry in ClinVar:

NM_001166108.2(PALLD):c.1124C>T (p.Ala375Val)

Gene: PALLD (palladin, cytoskeletal associated protein; plus strand). Cytogenetic location: 4q32.3.
Variant type: single nucleotide variant.
Coding change: c.1124C>T on transcript NM_001166108.2 (MANE Select); coding-DNA position 1124, C replaced by T.
Protein change: p.Ala375Val; replaces alanine 375 with valine.
Molecular consequence: missense variant. On other transcripts: 5 prime UTR variant (1).
Genome position (GRCh38, 1-based): chr4:168,681,368, C>T. VCF-style: chr4-168681368-C-T. GRCh37 (hg19) VCF-style: chr4-169602519-C-T.
Other names: c.-23C>T (NM_001166109.2); c.1124C>T, p.Ala375Val (NM_016081.4); short protein forms A375V.
Identifiers: ClinVar variation 1798647 (VCV001798647.2), dbSNP rs1323118225, ClinGen allele CA358794062.

ClinVar aggregate classification (germline): Uncertain significance (1 of 4 stars; one submission).

Submission:

Ambry Genetics
Classification: Uncertain significance. Last evaluated: 2022-05-21. Review status: criteria provided, single submitter. Criteria: Ambry Variant Classification Scheme 2023. Collection method: clinical testing. Allele origin: germline.
Comment: The p.A375V variant (also known as c.1124C>T), located in coding exon 3 of the PALLD gene, results from a C to T substitution at nucleotide position 1124. The alanine at codon 375 is replaced by valine, an amino acid with similar properties. This amino acid position is conserved. In addition, this alteration is predicted to be tolerated by in silico analysis. Since supporting evidence is limited at this time, the clinical significance of this alteration remains unclear.